The following is an entry in ClinVar:

NM_004304.5(ALK):c.3870G>A (p.Met1290Ile)

Gene: ALK (ALK receptor tyrosine kinase; minus strand). Cytogenetic location: 2p23.2.
Variant type: single nucleotide variant.
Coding change: c.3870G>A on transcript NM_004304.5 (MANE Select); coding-DNA position 3870, G replaced by A.
Protein change: p.Met1290Ile; replaces methionine 1290 with isoleucine.
Molecular consequence: missense variant.
Genome position (GRCh38, 1-based): chr2:29,207,239, C>T on the plus strand (G>A on the coding strand, the complement: ALK is on the minus strand). VCF-style: chr2-29207239-C-T. GRCh37 (hg19) VCF-style: chr2-29430105-C-T.
Other names: c.666G>A, p.Met222Ile (NM_001353765.2); short protein forms M1290I, M222I.
Identifiers: ClinVar variation 1361037 (VCV001361037.8), dbSNP rs2148152138, ClinGen allele CA346468912.

ClinVar aggregate classification (germline): Uncertain significance (1 of 4 stars; one submission).

Conditions:
Neuroblastoma, susceptibility to, 3. Also called: ALK-Related Neuroblastic Tumor Susceptibility. Identifiers: Orphanet 635, MedGen C2751681, MONDO:0013083, OMIM 613014.

Submission:

Labcorp Genetics (formerly Invitae), Labcorp
Classification: Uncertain significance for Neuroblastoma, susceptibility to, 3. Last evaluated: 2021-06-14. Review status: criteria provided, single submitter. Criteria: Invitae Variant Classification Sherloc (09022015). Collection method: clinical testing. Allele origin: germline.
Comment: This variant has not been reported in the literature in individuals with ALK-related conditions. This variant is not present in population databases (ExAC no frequency). This sequence change replaces methionine with isoleucine at codon 1290 of the ALK protein (p.Met1290Ile). The methionine residue is highly conserved and there is a small physicochemical difference between methionine and isoleucine. Algorithms developed to predict the effect of missense changes on protein structure and function are either unavailable or do not agree on the potential impact of this missense change (SIFT: "Deleterious"; PolyPhen-2: "Probably Damaging"; Align-GVGD: "Class C0"). In summary, the available evidence is currently insufficient to determine the role of this variant in disease. Therefore, it has been classified as a Variant of Uncertain Significance.